The following is an entry in ClinVar:

NM_001127644.2(GABRA1):c.1332C>G (p.Asn444Lys)

Gene: GABRA1 (gamma-aminobutyric acid type A receptor subunit alpha1; plus strand). Cytogenetic location: 5q34.
Variant type: single nucleotide variant.
Coding change: c.1332C>G on transcript NM_001127644.2 (MANE Select); coding-DNA position 1332, C replaced by G.
Protein change: p.Asn444Lys; replaces asparagine 444 with lysine.
Molecular consequence: missense variant.
Genome position (GRCh38, 1-based): chr5:161,897,383, C>G. VCF-style: chr5-161897383-C-G. GRCh37 (hg19) VCF-style: chr5-161324389-C-G.
Other names: c.1332C>G, p.Asn444Lys (NM_000806.5, NM_001127643.2, NM_001127645.2 and 1 more transcripts); short protein forms N444K.
Identifiers: ClinVar variation 536747 (VCV000536747.8), dbSNP rs1554087843, ClinGen allele CA362181348.
Genomic context (GRCh38, chr5:161,897,383, plus strand): 5'-AATAGCCTTCCCGCTGCTATTTGGAATCTTTAACTTAGTCTACTGGGCTACGTATTTAAA[C>G]AGAGAGCCTCAGCTAAAAGCCCCCACACCACATCAATAGATCTTTTACTCACATTCTGTT-3'
Protein context (NP_001121116.1, residues 434-454): FNLVYWATYL[Asn444Lys]REPQLKAPTP

ClinVar aggregate classification (germline): Uncertain significance (1 of 4 stars; one submission).

Conditions:
Idiopathic generalized epilepsy. Also called: EIG; Generalised epilepsy. Identifiers: MedGen C0270850, MONDO:0005579, OMIM 600669.
Epilepsy, idiopathic generalized, susceptibility to, 13. Also called: EPILEPSY, JUVENILE MYOCLONIC, SUSCEPTIBILITY TO, 5. Identifiers: Orphanet 307, Orphanet 64280, MedGen C4013473, MONDO:0012627, OMIM 611136.
Epilepsy, childhood absence 4 (ECA4). Also called: EPILEPSY, CHILDHOOD ABSENCE, SUSCEPTIBILITY TO, 4. Identifiers: Orphanet 307, MedGen C1970160.

Submission:

Labcorp Genetics (formerly Invitae), Labcorp
Classification: Uncertain significance for Epilepsy, childhood absence 4; Epilepsy, idiopathic generalized, susceptibility to, 13; Idiopathic generalized epilepsy. Last evaluated: 2018-02-27. Review status: criteria provided, single submitter. Criteria: Invitae Variant Classification Sherloc (09022015). Collection method: clinical testing. Allele origin: germline.
Comment: In summary, the available evidence is currently insufficient to determine the role of this variant in disease. Therefore, it has been classified as a Variant of Uncertain Significance. Algorithms developed to predict the effect of sequence changes on RNA splicing suggest that this variant may create or strengthen a splice site, but this prediction has not been confirmed by published transcriptional studies. Algorithms developed to predict the effect of missense changes on protein structure and function do not agree on the potential impact of this missense change (SIFT: "Deleterious"; PolyPhen-2: "Probably Damaging"; Align-GVGD: "Class C0"). This variant has not been reported in the literature in individuals with GABRA1-related disease. This variant is not present in population databases (ExAC no frequency). This sequence change replaces asparagine with lysine at codon 444 of the GABRA1 protein (p.Asn444Lys). The asparagine residue is highly conserved and there is a moderate physicochemical difference between asparagine and lysine.